The following is an entry in ClinVar:

NM_001371596.2(MFSD8):c.699-2A>G

Gene: MFSD8 (major facilitator superfamily domain containing 8; minus strand). Cytogenetic location: 4q28.2.
Variant type: single nucleotide variant.
Coding change: c.699-2A>G on transcript NM_001371596.2 (MANE Select); the canonical splice acceptor site of the intron before coding-DNA position 699, A replaced by G.
Molecular consequence: splice acceptor variant. On other transcripts: intron variant (5).
Genome position (GRCh38, 1-based): chr4:127,938,840, T>C on the plus strand (A>G on the coding strand, the complement: MFSD8 is on the minus strand). VCF-style: chr4-127938840-T-C. GRCh37 (hg19) VCF-style: chr4-128859995-T-C.
Other names: c.699-2A>G (NM_001371591.2, NM_152778.4); c.705-2A>G (NM_001371592.2); c.419-4A>G (NM_001371595.1); c.304+4912A>G (NM_001410765.1); c.564-2A>G (NM_001371590.2); c.439+4912A>G (NM_001363521.3); c.585-2A>G (NM_001410766.1, NM_001371593.2); c.553+3205A>G (NM_001363520.3); and 1 more.
Identifiers: ClinVar variation 2811958 (VCV002811958.3), dbSNP rs2546127671, ClinGen allele CA358175294.

ClinVar aggregate classification (germline): Likely pathogenic (1 of 4 stars; one submission).

Conditions:
Neuronal ceroid lipofuscinosis 7 (CLN7). Also called: MFSD8-Related Neuronal Ceroid-Lipofuscinosis. Identifiers: Orphanet 168491, Orphanet 228366, MedGen C1838571, MONDO:0012588, OMIM 610951.

Submission:

Labcorp Genetics (formerly Invitae), Labcorp
Classification: Likely pathogenic for Neuronal ceroid lipofuscinosis 7. Last evaluated: 2025-07-21. Review status: criteria provided, single submitter. Criteria: Invitae Variant Classification Sherloc (09022015). Collection method: clinical testing. Allele origin: germline.
Comment: This sequence change affects an acceptor splice site in intron 7 of the MFSD8 gene. It is expected to disrupt RNA splicing. Variants that disrupt the donor or acceptor splice site typically lead to a loss of protein function (PMID: 16199547), and loss-of-function variants in MFSD8 are known to be pathogenic (PMID: 19177532, 25227500, 28586915). This variant is not present in population databases (gnomAD no frequency). This variant has not been reported in the literature in individuals affected with MFSD8-related conditions. ClinVar contains an entry for this variant (Variation ID: 2811958). Algorithms developed to predict the effect of sequence changes on RNA splicing suggest that this variant may disrupt the consensus splice site. In summary, the currently available evidence indicates that the variant is pathogenic, but additional data are needed to prove that conclusively. Therefore, this variant has been classified as Likely Pathogenic.

Literature cited by the submitters: PubMed 16199547; PubMed 19177532; PubMed 25227500; PubMed 28586915.